The following is an entry in ClinVar:

NM_021625.5(TRPV4):c.980C>G (p.Ala327Gly)

Gene: TRPV4 (transient receptor potential cation channel subfamily V member 4; minus strand). Cytogenetic location: 12q24.11.
Variant type: single nucleotide variant.
Coding change: c.980C>G on transcript NM_021625.5 (MANE Select); coding-DNA position 980, C replaced by G.
Protein change: p.Ala327Gly; replaces alanine 327 with glycine.
Molecular consequence: missense variant.
Genome position (GRCh38, 1-based): chr12:109,798,786, G>C on the plus strand (C>G on the coding strand, the complement: TRPV4 is on the minus strand). VCF-style: chr12-109798786-G-C. GRCh37 (hg19) VCF-style: chr12-110236591-G-C.
Other names: c.839C>G, p.Ala280Gly (NM_001177428.2, NM_001177433.2); c.878C>G, p.Ala293Gly (NM_001177431.2); c.980C>G, p.Ala327Gly (NM_147204.3); short protein forms A280G, A293G, A327G.
Identifiers: ClinVar variation 1704735 (VCV001704735.2), dbSNP rs1179420073, ClinGen allele CA386654691.

ClinVar aggregate classification (germline): Uncertain significance (1 of 4 stars; one submission).

Allele frequency attached by ClinVar (database versions not stated): TOPMed below 0.00001.

Submission:

GeneDx
Classification: Uncertain significance. Last evaluated: 2022-03-08. Review status: criteria provided, single submitter. Criteria: GeneDx Variant Classification Process June 2021. Collection method: clinical testing. Allele origin: germline. Affected: yes.
Comment: Not observed at significant frequency in large population cohorts (gnomAD); In silico analysis supports that this missense variant has a deleterious effect on protein structure/function; Has not been previously published as pathogenic or benign to our knowledge